The following is an entry in ClinVar:

ClinVar aggregate classification (germline): Uncertain significance. Review status: criteria provided, multiple submitters, no conflicts (2 of 4 stars). 2 submissions from 2 submitters: Uncertain significance (2). Last evaluated 2024-06-12.

Conditions:
Neuroblastoma, susceptibility to, 3. Also called: ALK-Related Neuroblastic Tumor Susceptibility. Identifiers: Orphanet 635, MedGen C2751681, MONDO:0013083, OMIM 613014.
Hereditary cancer-predisposing syndrome. Also called: Hereditary Cancer Syndrome; Hereditary neoplastic syndrome; Neoplastic Syndromes, Hereditary; Tumor predisposition. Identifiers: Orphanet 140162, MedGen C0027672, MeSH D009386, MONDO:0015356.

Submissions (2):

Ambry Genetics
Classification: Uncertain significance for Hereditary cancer-predisposing syndrome. Last evaluated: 2024-06-12. Review status: criteria provided, single submitter. Criteria: Ambry Variant Classification Scheme 2023. Collection method: clinical testing. Allele origin: germline.
Comment: The p.A537V variant (also known as c.1610C>T), located in coding exon 8 of the ALK gene, results from a C to T substitution at nucleotide position 1610. The alanine at codon 537 is replaced by valine, an amino acid with similar properties. This amino acid position is conserved. In addition, this alteration is predicted to be tolerated by in silico analysis. Based on the available evidence, the clinical significance of this variant remains unclear.

Labcorp Genetics (formerly Invitae), Labcorp
Classification: Uncertain significance for Neuroblastoma, susceptibility to, 3. Last evaluated: 2023-12-22. Review status: criteria provided, single submitter. Criteria: Invitae Variant Classification Sherloc (09022015). Collection method: clinical testing. Allele origin: germline.
Comment: This sequence change replaces alanine, which is neutral and non-polar, with valine, which is neutral and non-polar, at codon 537 of the ALK protein (p.Ala537Val). This variant is not present in population databases (gnomAD no frequency). This variant has not been reported in the literature in individuals affected with ALK-related conditions. Algorithms developed to predict the effect of missense changes on protein structure and function output the following: SIFT: "Not Available"; PolyPhen-2: "Benign"; Align-GVGD: "Not Available". The valine amino acid residue is found in multiple mammalian species, which suggests that this missense change does not adversely affect protein function. In summary, the available evidence is currently insufficient to determine the role of this variant in disease. Therefore, it has been classified as a Variant of Uncertain Significance.

NM_004304.5(ALK):c.1610C>T (p.Ala537Val)

Gene: ALK (ALK receptor tyrosine kinase; minus strand). Cytogenetic location: 2p23.2.
Variant type: single nucleotide variant.
Coding change: c.1610C>T on transcript NM_004304.5 (MANE Select); coding-DNA position 1610, C replaced by T.
Protein change: p.Ala537Val; replaces alanine 537 with valine.
Molecular consequence: missense variant.
Genome position (GRCh38, 1-based): chr2:29,318,341, G>A on the plus strand (C>T on the coding strand, the complement: ALK is on the minus strand). VCF-style: chr2-29318341-G-A. GRCh37 (hg19) VCF-style: chr2-29541207-G-A.
Other names: c.1610C>T (NM_004304.4); short protein forms A537V.
Identifiers: ClinVar variation 2814462 (VCV002814462.4), dbSNP rs2148248073, ClinGen allele CA346471031.